The following is an entry in ClinVar:

NM_000548.5(TSC2):c.4796T>C (p.Val1599Ala)

Gene: TSC2 (TSC complex subunit 2; plus strand). Cytogenetic location: 16p13.3.
Variant type: single nucleotide variant.
Coding change: c.4796T>C on transcript NM_000548.5 (MANE Select); coding-DNA position 4796, T replaced by C.
Protein change: p.Val1599Ala; replaces valine 1599 with alanine.
Molecular consequence: missense variant. On other transcripts: non-coding transcript variant (5).
Genome position (GRCh38, 1-based): chr16:2,086,326, T>C. VCF-style: chr16-2086326-T-C. GRCh37 (hg19) VCF-style: chr16-2136327-T-C.
Other names: c.4595T>C, p.Val1532Ala (NM_001077183.3); c.4727T>C, p.Val1576Ala (NM_001114382.3); c.4688T>C, p.Val1563Ala (NM_001406667.1); c.4685T>C, p.Val1562Ala (NM_001406668.1); c.4616T>C, p.Val1539Ala (NM_001406670.1); c.4586T>C, p.Val1529Ala (NM_001406671.1); c.4583T>C, p.Val1528Ala (NM_001406673.1); c.4580T>C, p.Val1527Ala (NM_001406675.1); and 26 more; short protein forms V1085A, V1108A, V1355A, V1526A, V1528A, V1563A, V1575A, V998A.
Identifiers: ClinVar variation 2626414 (VCV002626414.6), dbSNP rs2544378426, ClinGen allele CA394308020.

ClinVar aggregate classification (germline): Uncertain significance. Review status: criteria provided, multiple submitters, no conflicts (2 of 4 stars). 2 submissions from 2 submitters: Uncertain significance (2). Last evaluated 2025-08-29.

Conditions:
Tuberous sclerosis 2 (TSC2). Identifiers: Orphanet 805, MedGen C1860707, MONDO:0013199, OMIM 613254.
Hereditary cancer-predisposing syndrome. Also called: Tumor predisposition; Neoplastic Syndromes, Hereditary; Hereditary Cancer Syndrome; Hereditary neoplastic syndrome. Identifiers: Orphanet 140162, MedGen C0027672, MeSH D009386, MONDO:0015356.

gnomAD v4.1: 1 of 1,612,912 alleles (0.000062%); no homozygotes.

Submissions (2):

Ambry Genetics
Classification: Uncertain significance for Hereditary cancer-predisposing syndrome. Last evaluated: 2025-08-29. Review status: criteria provided, single submitter. Criteria: Ambry Variant Classification Scheme 2023. Collection method: clinical testing. Allele origin: germline.
Comment: The p.V1599A variant (also known as c.4796T>C), located in coding exon 36 of the TSC2 gene, results from a T to C substitution at nucleotide position 4796. The valine at codon 1599 is replaced by alanine, an amino acid with similar properties. This amino acid position is conserved. In addition, this alteration is predicted to be deleterious by in silico analysis. Since supporting evidence is limited at this time, the clinical significance of this alteration remains unclear.

Labcorp Genetics (formerly Invitae), Labcorp
Classification: Uncertain significance for Tuberous sclerosis 2. Last evaluated: 2023-10-04. Review status: criteria provided, single submitter. Criteria: Invitae Variant Classification Sherloc (09022015). Collection method: clinical testing. Allele origin: germline.
Comment: This sequence change replaces valine, which is neutral and non-polar, with alanine, which is neutral and non-polar, at codon 1599 of the TSC2 protein (p.Val1599Ala). This variant is not present in population databases (gnomAD no frequency). This variant has not been reported in the literature in individuals affected with TSC2-related conditions. Advanced modeling of protein sequence and biophysical properties (such as structural, functional, and spatial information, amino acid conservation, physicochemical variation, residue mobility, and thermodynamic stability) performed at Invitae indicates that this missense variant is not expected to disrupt TSC2 protein function. In summary, the available evidence is currently insufficient to determine the role of this variant in disease. Therefore, it has been classified as a Variant of Uncertain Significance.